The following is an entry in ClinVar:

ClinVar aggregate classification (germline): Conflicting classifications of pathogenicity. Review status: criteria provided, conflicting classifications (1 of 4 stars). 5 submissions from 5 submitters: Uncertain significance (2); Likely benign (3). Last evaluated 2026-01-08.

Conditions:
Mitochondrial complex III deficiency nuclear type 2. Identifiers: MedGen C3554605, MONDO:0014063, OMIM 615157.
Inborn genetic diseases. Identifiers: MedGen C0950123, MeSH D030342.

Allele frequency attached by ClinVar (database versions not stated): gnomAD 0.00116 and 0.00120; TOPMed 0.00013; gnomAD exomes 0.00028; 1000 Genomes Project 30x 0.00062.
gnomAD v4.1: 503 of 1,300,742 alleles (0.039%); highest among the groups gnomAD compares: Middle Eastern, 0.029%; 2 homozygotes.

Submissions (5):

Labcorp Genetics (formerly Invitae), Labcorp
Classification: Uncertain significance. Last evaluated: 2026-01-08. Review status: criteria provided, single submitter. Criteria: Invitae Variant Classification Sherloc (09022015). Collection method: clinical testing. Allele origin: germline.
Comment: This sequence change replaces glutamine, which is neutral and polar, with arginine, which is basic and polar, at codon 41 of the TTC19 protein (p.Gln41Arg). The frequency data for this variant in the population databases is considered unreliable, as metrics indicate poor data quality at this position in the gnomAD database. This variant has not been reported in the literature in individuals affected with TTC19-related conditions. ClinVar contains an entry for this variant (Variation ID: 516796). An algorithm developed to predict the effect of missense changes on protein structure and function (PolyPhen-2) suggests that this variant is likely to be tolerated. In summary, the available evidence is currently insufficient to determine the role of this variant in disease. Therefore, it has been classified as a Variant of Uncertain Significance.

Blueprint Genetics
Classification: Likely benign. Last evaluated: 2024-11-19. Review status: criteria provided, single submitter. Criteria: ACMG Guidelines, 2015. Collection method: clinical testing. Allele origin: germline.

Ambry Genetics
Classification: Likely benign for Inborn genetic diseases. Last evaluated: 2022-06-30. Review status: criteria provided, single submitter. Criteria: Ambry Variant Classification Scheme 2023. Collection method: clinical testing. Allele origin: germline.

GeneDx
Classification: Likely benign. Last evaluated: 2018-01-31. Review status: criteria provided, single submitter. Criteria: GeneDx Variant Classification (06012015). Collection method: clinical testing. Allele origin: germline. Affected: yes.
Comment: This variant is considered likely benign or benign based on one or more of the following criteria: it is a conservative change, it occurs at a poorly conserved position in the protein, it is predicted to be benign by multiple in silico algorithms, and/or has population frequency not consistent with disease.

Illumina Laboratory Services, Illumina
Classification: Uncertain significance for Mitochondrial complex III deficiency nuclear type 2. Last evaluated: 2018-01-12. Review status: criteria provided, single submitter. Criteria: ICSL Variant Classification Criteria 13 December 2019. Collection method: clinical testing. Allele origin: germline.

NM_017775.4(TTC19):c.122A>G (p.Gln41Arg)

Genes: TTC19 (tetratricopeptide repeat domain 19; plus strand), LOC130060311 (ATAC-STARR-seq lymphoblastoid silent region 8214; plus strand). Cytogenetic location: 17p12.
Variant type: single nucleotide variant.
Coding change: c.122A>G on transcript NM_017775.4 (MANE Select); coding-DNA position 122, A replaced by G.
Protein change: p.Gln41Arg; replaces glutamine 41 with arginine.
Molecular consequence: missense variant. On other transcripts: 5 prime UTR variant (1).
Genome position (GRCh38, 1-based): chr17:15,999,970, A>G. VCF-style: chr17-15999970-A-G. GRCh37 (hg19) VCF-style: chr17-15903284-A-G.
Other names: c.-337A>G (NM_001271420.2); c.485A>G (NM_017775.2); short protein forms Q41R.
Identifiers: ClinVar variation 516796 (VCV000516796.16), dbSNP rs1462593526, ClinGen allele CA398382480.
Genomic context (GRCh38, chr17:15,999,970, plus strand): 5'-GCCGGGGCTGCTCCGCGCGCCTGCTCCCGGGGCTGGCAGGAGGTCCGGGGCCCGAGGTGC[A>G]GGTGCCGCCATCCCGAGTCGCGCCGCACGGCCGGGGCCCAGGCCTGCTGCCGCTGCTGGC-3'
Protein context (NP_060245.3, residues 31-51): GLAGGPGPEV[Gln41Arg]VPPSRVAPHG